The following is an entry in ClinVar:

ClinVar aggregate classification (germline): Uncertain significance. Review status: criteria provided, multiple submitters, no conflicts (2 of 4 stars). 3 submissions from 3 submitters: Uncertain significance (3). Last evaluated 2025-08-31.

Conditions:
Inborn genetic diseases. Identifiers: MedGen C0950123, MeSH D030342.

Allele frequency attached by ClinVar (database versions not stated): gnomAD exomes below 0.00001; ExAC 0.00001.

Submissions (3):

Ambry Genetics
Classification: Uncertain significance for Inborn genetic diseases. Last evaluated: 2025-08-31. Review status: criteria provided, single submitter. Criteria: Ambry Variant Classification Scheme 2023. Collection method: clinical testing. Allele origin: germline.

Blueprint Genetics
Classification: Uncertain significance. Last evaluated: 2023-12-13. Review status: criteria provided, single submitter. Criteria: ACMG Guidelines, 2015. Collection method: clinical testing. Allele origin: germline.

Labcorp Genetics (formerly Invitae), Labcorp
Classification: Uncertain significance. Last evaluated: 2022-09-09. Review status: criteria provided, single submitter. Criteria: Invitae Variant Classification Sherloc (09022015). Collection method: clinical testing. Allele origin: germline.
Comment: This sequence change replaces serine, which is neutral and polar, with phenylalanine, which is neutral and non-polar, at codon 544 of the DNM1L protein (p.Ser544Phe). This variant is present in population databases (rs761296463, gnomAD 0.003%). This variant has not been reported in the literature in individuals affected with DNM1L-related conditions. Algorithms developed to predict the effect of missense changes on protein structure and function are either unavailable or do not agree on the potential impact of this missense change (SIFT: "Deleterious"; PolyPhen-2: "Benign"; Align-GVGD: "Class C0"). In summary, the available evidence is currently insufficient to determine the role of this variant in disease. Therefore, it has been classified as a Variant of Uncertain Significance.

NM_012062.5(DNM1L):c.1631C>T (p.Ser544Phe)

Gene: DNM1L (dynamin 1L; plus strand). Cytogenetic location: 12p11.21.
Variant type: single nucleotide variant.
Coding change: c.1631C>T on transcript NM_012062.5 (MANE Select); coding-DNA position 1631, C replaced by T.
Protein change: p.Ser544Phe; replaces serine 544 with phenylalanine.
Molecular consequence: missense variant. On other transcripts: intron variant (3).
Genome position (GRCh38, 1-based): chr12:32,737,899, C>T. VCF-style: chr12-32737899-C-T. GRCh37 (hg19) VCF-style: chr12-32890833-C-T.
Other names: c.1631C>T, p.Ser544Phe (NM_001278463.2); c.1670C>T, p.Ser557Phe (NM_001278464.2, NM_001278465.2); c.1022C>T, p.Ser341Phe (NM_001278466.2); c.1635+738C>T (NM_001330380.2); c.1597-365C>T (NM_012063.4); c.1596+738C>T (NM_005690.5); c.1631C>T (NM_012062.3); short protein forms S341F, S557F, S544F.
Identifiers: ClinVar variation 2009513 (VCV002009513.6), dbSNP rs761296463, ClinGen allele CA6507630.